The following is an entry in ClinVar:

NM_016333.4(SRRM2):c.911G>T (p.Gly304Val)

Gene: SRRM2 (serine/arginine repetitive matrix 2; plus strand). Cytogenetic location: 16p13.3.
Variant type: single nucleotide variant.
Coding change: c.911G>T on transcript NM_016333.4 (MANE Select); coding-DNA position 911, G replaced by T.
Protein change: p.Gly304Val; replaces glycine 304 with valine.
Molecular consequence: missense variant.
Genome position (GRCh38, 1-based): chr16:2,760,378, G>T. VCF-style: chr16-2760378-G-T. GRCh37 (hg19) VCF-style: chr16-2810379-G-T.
Other names: short protein forms G304V.
Identifiers: ClinVar variation 3391518 (VCV003391518.1).

ClinVar aggregate classification (germline): Uncertain significance (1 of 4 stars; one submission).

Submission:

GeneDx
Classification: Uncertain significance. Last evaluated: 2024-06-20. Review status: criteria provided, single submitter. Criteria: GeneDx Variant Classification Process June 2021. Collection method: clinical testing. Allele origin: germline. Affected: yes.
Comment: Not observed at significant frequency in large population cohorts (gnomAD); In silico analysis indicates that this missense variant does not alter protein structure/function; Has not been previously published as pathogenic or benign to our knowledge